The following is an entry in ClinVar:

NM_001282717.2(STAG3):c.1467+3G>A

Gene: STAG3 (STAG3 cohesin complex component; plus strand). Cytogenetic location: 7q22.1.
Variant type: single nucleotide variant.
Coding change: c.1467+3G>A on transcript NM_001282717.2 (MANE Select); 3 bases into the intron after coding-DNA position 1467, G replaced by A.
Molecular consequence: intron variant.
Genome position (GRCh38, 1-based): chr7:100,198,960, G>A. VCF-style: chr7-100198960-G-A. GRCh37 (hg19) VCF-style: chr7-99796583-G-A.
Other names: c.1467+3G>A (NM_001282716.1, NM_012447.4, NM_001375438.1); c.1293+3G>A (NM_001282718.2).
Identifiers: ClinVar variation 720655 (VCV000720655.5), dbSNP rs144753898, ClinGen allele CA4378447.
Genomic context (GRCh38, chr7:100,198,960, plus strand): 5'-CCCAGGCGCCCAGAGGACTTTCTTCCAGCTTCTGCTGTCCTTCTTTGTGGAGAGCGAGGT[G>A]ACATACACAGAGAGAAGTCTGGCTGTTGTGCATAGGACCTACAAGTGGGCTGGGGTTGGT-3'

ClinVar aggregate classification (germline): Likely benign. Review status: criteria provided, single submitter (1 of 4 stars). 2 submissions from 2 submitters: Likely benign (1). 1 of the submissions does not count toward it. Last evaluated 2017-12-19.

Conditions:
STAG3-related disorder. Also called: STAG3-related condition.

Allele frequency attached by ClinVar (database versions not stated): TOPMed 0.00277; gnomAD exomes 0.00064 and 0.00022; ESP Exome Variant Server 0.00269; 1000 Genomes Project 30x 0.00312; 1000 Genomes Project 0.00339; ExAC 0.00084; gnomAD 0.00244 and 0.00253.
gnomAD v4.1: 701 of 1,611,488 alleles (0.044%); highest among the groups gnomAD compares: African/African-American, 0.81%; 1 homozygote.

Submissions (2):

Labcorp Genetics (formerly Invitae), Labcorp
Classification: Likely benign. Last evaluated: 2017-12-19. Review status: criteria provided, single submitter. Criteria: Invitae Variant Classification Sherloc (09022015). Collection method: clinical testing. Allele origin: germline.

PreventionGenetics, part of Exact Sciences
Classification: Likely benign for STAG3-related condition. Last evaluated: 2019-02-20. Review status: no assertion criteria provided. Collection method: clinical testing. Allele origin: germline. Not counted in ClinVar's aggregate classification.
Comment: This variant is classified as likely benign based on ACMG/AMP sequence variant interpretation guidelines (Richards et al. 2015 PMID: 25741868, with internal and published modifications).